The following is an entry in ClinVar:

GRCh38/hg38 3p26.3-26.1(chr3:63843-4708786)x1

Genes: BRRIAR (BHLHE40 and RIG-I regulating ITPR1 antisense RNA; minus strand), CHL1 (cell adhesion molecule L1 like; plus strand), CHL1-AS1 (CHL1 antisense RNA 1; minus strand), CHL1-AS2 (CHL1 antisense RNA 2; minus strand), CNTN4 (contactin 4; plus strand) and 64 more. Cytogenetic location: 3p26.3-26.1.
Variant type: copy number loss.
Change: copy number 1 (one copy instead of two) of chr3:63,843-4,708,786 (4.64 Mb, GRCh38 coordinates, 1-based), cytogenetic band 3p26.3-26.1.
Identifiers: ClinVar variation 57737 (VCV000057737.2).

ClinVar aggregate classification (germline): Pathogenic (1 of 4 stars; one submission).

Submission:

ISCA Site 6
Classification: Pathogenic. Last evaluated: 2011-08-12. Review status: criteria provided, single submitter. Criteria: Kaminsky et al. (Genet Med. 2011). Collection method: clinical testing. Allele origin: paternal. Affected: yes. Observed: 1 variant allele.
Comment: Copy number variation identified through the course of routine clinical cytogenomic testing in postnatal populations. Clinical assertions have been curated as described in Kaminsky et al. 2011.